The following is an entry in ClinVar:

NM_001267550.2(TTN):c.45615T>A (p.Ile15205=)

Genes: TTN (titin; minus strand), LOC126806427 (BRD4-independent group 4 enhancer GRCh37_chr2:179485777-179486976; plus strand). Cytogenetic location: 2q31.2.
Variant type: single nucleotide variant.
Coding change: c.45615T>A on transcript NM_001267550.2 (MANE Select); coding-DNA position 45615, T replaced by A.
Protein change: p.Ile15205=; no amino-acid change (isoleucine 15205 retained).
Molecular consequence: synonymous variant.
Genome position (GRCh38, 1-based): chr2:178,621,103, A>T on the plus strand (T>A on the coding strand, the complement: TTN is on the minus strand). VCF-style: chr2-178621103-A-T. GRCh37 (hg19) VCF-style: chr2-179485830-A-T.
Other names: c.40692T>A, p.Ile13564= (NM_001256850.1); c.18420T>A, p.Ile6140= (NM_003319.4); c.37911T>A, p.Ile12637= (NM_133378.4); c.18795T>A, p.Ile6265= (NM_133432.3); c.18996T>A, p.Ile6332= (NM_133437.4).
Identifiers: ClinVar variation 390532 (VCV000390532.1), dbSNP rs570314896, ClinGen allele CA1995410.

ClinVar aggregate classification (germline): Likely benign (1 of 4 stars; one submission).

Allele frequency attached by ClinVar (database versions not stated): gnomAD exomes below 0.00001; ExAC 0.00001; gnomAD 0.00001; 1000 Genomes Project 30x 0.00016; 1000 Genomes Project 0.00020.
gnomAD v4.1: 2 of 1,611,702 alleles (0.00012%); highest among the groups gnomAD compares: South Asian, 0.0022%; no homozygotes.

Submission:

GeneDx
Classification: Likely benign. Last evaluated: 2016-11-11. Review status: criteria provided, single submitter. Criteria: GeneDx Variant Classification (06012015). Collection method: clinical testing. Allele origin: germline. Affected: yes.
Comment: This variant is considered likely benign or benign based on one or more of the following criteria: it is a conservative change, it occurs at a poorly conserved position in the protein, it is predicted to be benign by multiple in silico algorithms, and/or has population frequency not consistent with disease.